The following is an entry in ClinVar:

ClinVar aggregate classification (germline): Uncertain significance (1 of 4 stars; one submission).

gnomAD v4.1: 14 of 1,550,818 alleles (0.0009%); highest among the groups gnomAD compares: Non-Finnish European, 0.0012%; no homozygotes.

Submission:

Ambry Genetics
Classification: Uncertain significance. Last evaluated: 2024-12-14. Review status: criteria provided, single submitter. Criteria: Ambry Variant Classification Scheme 2023. Collection method: clinical testing. Allele origin: germline.
Comment: The p.E658K variant (also known as c.1972G>A), located in coding exon 8 of the WNK2 gene, results from a G to A substitution at nucleotide position 1972. The glutamic acid at codon 658 is replaced by lysine, an amino acid with similar properties. This amino acid position is conserved. In addition, the in silico prediction for this alteration is inconclusive. Based on the available evidence, the clinical significance of this variant remains unclear.

NM_006648.4(WNK2):c.1972G>A (p.Glu658Lys)

Gene: WNK2 (WNK lysine deficient protein kinase 2; plus strand). Cytogenetic location: 9q22.31.
Variant type: single nucleotide variant.
Coding change: c.1972G>A on transcript NM_006648.4 (MANE Select); coding-DNA position 1972, G replaced by A.
Protein change: p.Glu658Lys; replaces glutamic acid 658 with lysine.
Molecular consequence: missense variant.
Genome position (GRCh38, 1-based): chr9:93,253,020, G>A. VCF-style: chr9-93253020-G-A. GRCh37 (hg19) VCF-style: chr9-96015302-G-A.
Other names: c.1972G>A, p.Glu658Lys (NM_001282394.3); short protein forms E658K.
Identifiers: ClinVar variation 3816465 (VCV003816465.1).